The following is an entry in ClinVar:

NM_020937.4(FANCM):c.1132G>C (p.Gly378Arg)

Gene: FANCM (FA complementation group M; plus strand). Cytogenetic location: 14q21.2.
Variant type: single nucleotide variant.
Coding change: c.1132G>C on transcript NM_020937.4 (MANE Select); coding-DNA position 1132, G replaced by C.
Protein change: p.Gly378Arg; replaces glycine 378 with arginine.
Molecular consequence: missense variant.
Genome position (GRCh38, 1-based): chr14:45,154,001, G>C. VCF-style: chr14-45154001-G-C. GRCh37 (hg19) VCF-style: chr14-45623204-G-C.
Other names: c.1054G>C, p.Gly352Arg (NM_001308133.2); c.1132G>C, p.Gly378Arg (NM_001308134.2); c.1132G>C (NM_020937.3); short protein forms G352R, G378R.
Identifiers: ClinVar variation 2446647 (VCV002446647.5), dbSNP rs376481889, ClinGen allele CA7168940.
Genomic context (GRCh38, chr14:45,154,001, plus strand): 5'-GAGGGAGAGTTTGCTATTTGTATTAGTTTATATCATGGTTATGAATTATTGCAGCAAATG[G>C]GAATGAGATCATTATATTTCTTCCTTTGTGGAATTATGGATGGAACTAAAGGTAAATTAT-3'
Protein context (NP_065988.1, residues 368-388): YHGYELLQQM[Gly378Arg]MRSLYFFLCG

ClinVar aggregate classification (germline): Uncertain significance. Review status: criteria provided, multiple submitters, no conflicts (2 of 4 stars). 3 submissions from 3 submitters: Uncertain significance (3). Last evaluated 2025-08-30.

Conditions:
FANCM-related disorder. Also called: FANCM-related condition.
Fanconi anemia (FA). Also called: Fanconi's anemia. Identifiers: Orphanet 84, MedGen C0015625, MeSH D005199, MONDO:0019391.

Allele frequency attached by ClinVar (database versions not stated): gnomAD exomes 0.00001; TOPMed 0.00001; ESP Exome Variant Server 0.00008; ExAC 0.00001.
gnomAD v4.1: 16 of 1,584,628 alleles (0.001%); highest among the groups gnomAD compares: Non-Finnish European, 0.0014%; no homozygotes.

Submissions (3):

Labcorp Genetics (formerly Invitae), Labcorp
Classification: Uncertain significance for Fanconi anemia. Last evaluated: 2025-08-30. Review status: criteria provided, single submitter. Criteria: Invitae Variant Classification Sherloc (09022015). Collection method: clinical testing. Allele origin: germline.
Comment: This sequence change replaces glycine, which is neutral and non-polar, with arginine, which is basic and polar, at codon 378 of the FANCM protein (p.Gly378Arg). This variant is present in population databases (rs376481889, gnomAD 0.003%). This missense change has been observed in individual(s) with head and neck carcinoma (PMID: 28678401). ClinVar contains an entry for this variant (Variation ID: 2446647). An algorithm developed to predict the effect of missense changes on protein structure and function (PolyPhen-2) suggests that this variant is likely to be disruptive. In summary, the available evidence is currently insufficient to determine the role of this variant in disease. Therefore, it has been classified as a Variant of Uncertain Significance.

PreventionGenetics, part of Exact Sciences
Classification: Uncertain significance for FANCM-related condition. Last evaluated: 2024-10-25. Review status: criteria provided, single submitter. Criteria: ACMG Guidelines, 2015. Collection method: clinical testing. Allele origin: germline.
Comment: The FANCM c.1132G>C variant is predicted to result in the amino acid substitution p.Gly378Arg. This variant was reported in an individual with head and neck squamous cell carcinoma (Supplementary Table 3, Chandrasekharappa et al. 2017. PubMed ID: 28678401). This variant is reported in 0.0026% of alleles in individuals of European (Non-Finnish) descent in gnomAD. At this time, the clinical significance of this variant is uncertain due to the absence of conclusive functional and genetic evidence.

GeneDx
Classification: Uncertain significance. Last evaluated: 2022-09-29. Review status: criteria provided, single submitter. Criteria: GeneDx Variant Classification Process June 2021. Collection method: clinical testing. Allele origin: germline. Affected: yes.
Comment: Not observed at significant frequency in large population cohorts (gnomAD); In silico analysis supports that this missense variant has a deleterious effect on protein structure/function; Observed in an individual with head and neck squamous cell carcinoma (Chandrasekharappa et al., 2017); This variant is associated with the following publications: (PMID: 28678401)

Literature cited by the submitters: PubMed 28678401 (cited by Labcorp Genetics (formerly Invitae), Labcorp).